The following is an entry in ClinVar:

NM_022841.7(RFX7):c.2505A>G (p.Leu835=)

Gene: RFX7 (regulatory factor X7; minus strand). Cytogenetic location: 15q21.3.
Variant type: single nucleotide variant.
Coding change: c.2505A>G on transcript NM_022841.7 (MANE Select); coding-DNA position 2505, A replaced by G.
Protein change: p.Leu835=; no amino-acid change (leucine 835 retained).
Molecular consequence: synonymous variant.
Genome position (GRCh38, 1-based): chr15:56,095,223, T>C on the plus strand (A>G on the coding strand, the complement: RFX7 is on the minus strand). VCF-style: chr15-56095223-T-C. GRCh37 (hg19) VCF-style: chr15-56387421-T-C.
Other names: c.2214A>G, p.Leu738= (NM_001368073.2, NM_001368074.1, NM_001370554.1); c.2505A>G, p.Leu835= (NM_001370561.1).
Identifiers: ClinVar variation 5038856 (VCV005038856.1).
Genomic context (GRCh38, chr15:56,095,223, plus strand): 5'-TAACTGATCTGAAGAATGTGCTTGTATTTGATTTAAAGAAGATTCCTGTATCTGGCTATG[T>C]AGCTGCTGGCTATATGTGTCCTGTGGCATTCCTTCTAATTCCCAAACAGATTTCTCTAAG-3'
Protein context (NP_073752.6, residues 825-845): GMPQDTYSQQ[Leu835=]HSQIQESSLN

ClinVar aggregate classification (germline): Likely benign (1 of 4 stars; one submission).

gnomAD v4.1: 942 of 1,613,864 alleles (0.058%); highest among the groups gnomAD compares: African/African-American, 1.1%; 4 homozygotes.

Submission:

CeGaT Center for Human Genetics Tuebingen
Classification: Likely benign. Last evaluated: 2026-07-01. Review status: criteria provided, single submitter. Criteria: CeGaT Center For Human Genetics Tuebingen Variant Classification Criteria Version 2. Collection method: clinical testing. Allele origin: germline. Affected: yes. Observed: 1 variant allele.
Comment: RFX7: BP4, BP7, BS1